The following is an entry in ClinVar:

NM_001134831.2(AHI1):c.2230A>G (p.Lys744Glu)

Gene: AHI1 (Abelson helper integration site 1; minus strand). Cytogenetic location: 6q23.3.
Variant type: single nucleotide variant.
Coding change: c.2230A>G on transcript NM_001134831.2 (MANE Select); coding-DNA position 2230, A replaced by G.
Protein change: p.Lys744Glu; replaces lysine 744 with glutamic acid.
Molecular consequence: missense variant.
Genome position (GRCh38, 1-based): chr6:135,433,063, T>C on the plus strand (A>G on the coding strand, the complement: AHI1 is on the minus strand). VCF-style: chr6-135433063-T-C. GRCh37 (hg19) VCF-style: chr6-135754201-T-C.
Other names: c.2230A>G, p.Lys744Glu (NM_001134830.2, NM_001134832.2, NM_001350503.2 and 2 more transcripts); short protein forms K744E.
Identifiers: ClinVar variation 2045436 (VCV002045436.4), dbSNP rs1562758423, ClinGen allele CA365743432.

ClinVar aggregate classification (germline): Uncertain significance (1 of 4 stars; one submission).

Conditions:
Joubert syndrome. Also called: CEREBELLOPARENCHYMAL DISORDER IV; JOUBERT-BOLTSHAUSER SYNDROME; Familial aplasia of the vermis. Identifiers: Orphanet 475, MedGen C5979921, MONDO:0018772.

Allele frequency attached by ClinVar (database versions not stated): gnomAD exomes below 0.00001.
gnomAD v4.1: 3 of 1,613,568 alleles (0.00019%); highest among the groups gnomAD compares: Non-Finnish European, 0.00025%; no homozygotes.

Submission:

Labcorp Genetics (formerly Invitae), Labcorp
Classification: Uncertain significance for Joubert syndrome. Last evaluated: 2022-03-18. Review status: criteria provided, single submitter. Criteria: Invitae Variant Classification Sherloc (09022015). Collection method: clinical testing. Allele origin: germline.
Comment: This sequence change replaces lysine, which is basic and polar, with glutamic acid, which is acidic and polar, at codon 744 of the AHI1 protein (p.Lys744Glu). This variant is not present in population databases (gnomAD no frequency). This variant has not been reported in the literature in individuals affected with AHI1-related conditions. Advanced modeling of protein sequence and biophysical properties (such as structural, functional, and spatial information, amino acid conservation, physicochemical variation, residue mobility, and thermodynamic stability) performed at Invitae indicates that this missense variant is not expected to disrupt AHI1 protein function. In summary, the available evidence is currently insufficient to determine the role of this variant in disease. Therefore, it has been classified as a Variant of Uncertain Significance.